The following is an entry in ClinVar:

ClinVar aggregate classification (germline): Conflicting classifications of pathogenicity. Review status: criteria provided, conflicting classifications (1 of 4 stars). 2 submissions from 2 submitters: Uncertain significance (1); Benign (1). Last evaluated 2025-03-26.

Conditions:
Peutz-Jeghers syndrome (PJS). Also called: POLYPOSIS, HAMARTOMATOUS INTESTINAL; POLYPS-AND-SPOTS SYNDROME; Peutz-Jeghers polyposis; Periorificial lentiginosis syndrome. Identifiers: Orphanet 2869, MedGen C0031269, MeSH D010580, MONDO:0008280, OMIM 175200.

Submissions (2):

Myriad Genetics, Inc.
Classification: Benign for Peutz-Jeghers syndrome. Last evaluated: 2025-03-26. Review status: criteria provided, single submitter. Criteria: Myriad Autosomal Dominant, Autosomal Recessive and X-Linked Classification Criteria (2023). Collection method: clinical testing. Allele origin: unknown.
Comment: This variant is considered benign. This variant is intronic and is not expected to impact mRNA splicing.

Department of Pathology and Laboratory Medicine, Sinai Health System
Classification: Uncertain significance for Peutz-Jeghers syndrome. Last evaluated: 2019-11-11. Review status: criteria provided, single submitter. Criteria: ACMG Guidelines, 2015. Collection method: clinical testing. Allele origin: germline. Affected: yes.

NM_000455.5(STK11):c.597+10_597+11insCTAG

Gene: STK11 (serine/threonine kinase 11; plus strand). Cytogenetic location: 19p13.3.
Variant type: Insertion.
Coding change: c.597+10_597+11insCTAG on transcript NM_000455.5 (MANE Select); bases 10 to 11 of the intron after coding-DNA position 597, CTAG inserted.
Molecular consequence: intron variant.
Genome position: GRCh38 VCF-style: chr19-1220515-T-TCTAG. GRCh37 (hg19) VCF-style: chr19-1220514-T-TCTAG.
Other names: c.597+10_597+11insCTAG (NM_001407255.1).
Identifiers: ClinVar variation 3780675 (VCV003780675.2).